The following is an entry in ClinVar:

ClinVar aggregate classification (germline): Conflicting classifications of pathogenicity. Review status: criteria provided, conflicting classifications (1 of 4 stars). 5 submissions from 5 submitters: Uncertain significance (3); Benign (1); Likely benign (1). Last evaluated 2025-11-23.

Conditions:
Oto-palato-digital syndrome, type II (OPD2). Also called: FACIOPALATOOSSEOUS SYNDROME; OPD II SYNDROME; Otopalatodigital Syndrome, Type II; Otopalatodigital Syndrome Type 2 (FLNA-OPD2). Identifiers: Orphanet 669, Orphanet 90652, MedGen C1844696, MONDO:0010571, OMIM 304120.
Melnick-Needles syndrome (MNS). Also called: MELNICK-NEEDLES OSTEODYSPLASTY; OSTEODYSPLASTY OF MELNICK AND NEEDLES; Melnick-Needles Syndrome (FLNA-MNS). Identifiers: Orphanet 2484, MedGen C0025237, MONDO:0010650, OMIM 309350.
Frontometaphyseal dysplasia (FMD1). Identifiers: Orphanet 1826, MedGen C0265293, MONDO:0015942.
Heterotopia, periventricular, X-linked dominant (PVNH1). Also called: PERIVENTRICULAR NODULAR HETEROTOPIA 1; X-linked periventricular heterotopia; PERIVENTRICULAR NODULAR HETEROTOPIA 4; HETEROTOPIA, PERIVENTRICULAR, 1. Identifiers: Orphanet 2149, Orphanet 82004, MedGen C1848213, MONDO:0010233, OMIM 300049.
Familial thoracic aortic aneurysm and aortic dissection (TAAD). Also called: Thoracic aortic aneurysms and dissections. Identifiers: Orphanet 91387, MedGen C4707243, MONDO:0019625.

Allele frequency attached by ClinVar (database versions not stated): gnomAD 0.00001; gnomAD exomes 0.00001 and 0.00002; TOPMed 0.00001; ExAC 0.00003.
gnomAD v4.1: 16 of 1,199,523 alleles (0.0013%); highest among the groups gnomAD compares: Admixed American, 0.0065%; no homozygotes.

Submissions (5):

Labcorp Genetics (formerly Invitae), Labcorp
Classification: Benign for Oto-palato-digital syndrome, type II; Heterotopia, periventricular, X-linked dominant; Frontometaphyseal dysplasia; Melnick-Needles syndrome. Last evaluated: 2025-11-23. Review status: criteria provided, single submitter. Criteria: Invitae Variant Classification Sherloc (09022015). Collection method: clinical testing. Allele origin: germline.

ARUP Laboratories, Molecular Genetics and Genomics, ARUP Laboratories
Classification: Uncertain significance. Last evaluated: 2020-03-03. Review status: criteria provided, single submitter. Criteria: ARUP Molecular Germline Variant Investigation Process. Collection method: clinical testing. Allele origin: germline.
Comment: The FLNA c.6989C>G; p.Ser2330Cys variant (rs781878646), to our knowledge, is not reported in the medical literature but is reported in ClinVar (Variation ID: 197460). This variant is only observed on four alleles in the Genome Aggregation Database, indicating it is not a common polymorphism. The serine at codon 2330 is highly conserved, and computational analyses (SIFT: damaging, PolyPhen-2: benign) predict conflicting effects of this variant on protein structure/function. Due to limited information, the clinical significance of the p.Ser2330Cys variant is uncertain at this time.

Ambry Genetics
Classification: Uncertain significance for Familial thoracic aortic aneurysm and aortic dissection. Last evaluated: 2019-09-12. Review status: criteria provided, single submitter. Criteria: Ambry Variant Classification Scheme 2023. Collection method: clinical testing. Allele origin: germline.
Comment: The p.S2330C variant (also known as c.6989C>G), located in coding exon 41 of the FLNA gene, results from a C to G substitution at nucleotide position 6989. The serine at codon 2330 is replaced by cysteine, an amino acid with dissimilar properties. This amino acid position is not well conserved in available vertebrate species. In addition, the in silico prediction for this alteration is inconclusive. Since supporting evidence is limited at this time, the clinical significance of this alteration remains unclear.

GeneDx
Classification: Likely benign. Last evaluated: 2017-11-28. Review status: criteria provided, single submitter. Criteria: GeneDx Variant Classification (06012015). Collection method: clinical testing. Allele origin: germline. Affected: yes.
Comment: This variant is considered likely benign or benign based on one or more of the following criteria: it is a conservative change, it occurs at a poorly conserved position in the protein, it is predicted to be benign by multiple in silico algorithms, and/or has population frequency not consistent with disease.

Eurofins Ntd Llc (ga)
Classification: Uncertain significance. Last evaluated: 2015-05-19. Review status: criteria provided, single submitter. Criteria: EGL Classification Definitions 2015. Collection method: clinical testing. Allele origin: germline. Observed: 1 variant allele, 1 heterozygote.

NM_001110556.2(FLNA):c.7013C>G (p.Ser2338Cys)

Gene: FLNA (filamin A; minus strand). Cytogenetic location: Xq28.
Variant type: single nucleotide variant.
Coding change: c.7013C>G on transcript NM_001110556.2 (MANE Select); coding-DNA position 7013, C replaced by G.
Protein change: p.Ser2338Cys; replaces serine 2338 with cysteine.
Molecular consequence: missense variant.
Genome position (GRCh38, 1-based): chrX:154,351,591, G>C on the plus strand (C>G on the coding strand, the complement: FLNA is on the minus strand). VCF-style: chrX-154351591-G-C. GRCh37 (hg19) VCF-style: chrX-153579959-G-C.
Other names: p.S2330C:TCT>TGT; c.6989C>G, p.Ser2330Cys (NM_001456.4); short protein forms S2338C, S2330C.
Identifiers: ClinVar variation 197460 (VCV000197460.23), dbSNP rs781878646, ClinGen allele CA245624.